The following is an entry in ClinVar:

NM_006440.5(TXNRD2):c.1178A>G (p.Asp393Gly)

Gene: TXNRD2 (thioredoxin reductase 2; minus strand). Cytogenetic location: 22q11.21.
Variant type: single nucleotide variant.
Coding change: c.1178A>G on transcript NM_006440.5 (MANE Select); coding-DNA position 1178, A replaced by G.
Protein change: p.Asp393Gly; replaces aspartic acid 393 with glycine.
Molecular consequence: missense variant. On other transcripts: non-coding transcript variant (1).
Genome position (GRCh38, 1-based): chr22:19,880,626, T>C on the plus strand (A>G on the coding strand, the complement: TXNRD2 is on the minus strand). VCF-style: chr22-19880626-T-C. GRCh37 (hg19) VCF-style: chr22-19868149-T-C.
Other names: c.1175A>G, p.Asp392Gly (NM_001352300.2); c.1088A>G, p.Asp363Gly (NM_001352301.2); c.890A>G, p.Asp297Gly (NM_001352302.2); short protein forms D363G, D297G, D392G, D393G.
Identifiers: ClinVar variation 1495340 (VCV001495340.6), dbSNP rs2145932871, ClinGen allele CA410681889.

ClinVar aggregate classification (germline): Uncertain significance (1 of 4 stars; one submission).

Conditions:
Primary dilated cardiomyopathy (DCM). Also called: Dilated Cardiomyopathy. Identifiers: Orphanet 217604, MedGen C0007193, MeSH D002311, MONDO:0005021, HP:0001644. Inheritance: Various modes of inheritance.

Submission:

Labcorp Genetics (formerly Invitae), Labcorp
Classification: Uncertain significance for Primary dilated cardiomyopathy. Last evaluated: 2020-10-30. Review status: criteria provided, single submitter. Criteria: Invitae Variant Classification Sherloc (09022015). Collection method: clinical testing. Allele origin: germline.
Comment: In summary, the available evidence is currently insufficient to determine the role of this variant in disease. Therefore, it has been classified as a Variant of Uncertain Significance. Algorithms developed to predict the effect of missense changes on protein structure and function (SIFT, PolyPhen-2, Align-GVGD) all suggest that this variant is likely to be tolerated, but these predictions have not been confirmed by published functional studies and their clinical significance is uncertain. This variant has not been reported in the literature in individuals with TXNRD2-related conditions. This variant is not present in population databases (ExAC no frequency). This sequence change replaces aspartic acid with glycine at codon 393 of the TXNRD2 protein (p.Asp393Gly). The aspartic acid residue is moderately conserved and there is a moderate physicochemical difference between aspartic acid and glycine.